The following is an entry in ClinVar:

NM_004727.3(SLC24A1):c.1A>G (p.Met1Val)

Gene: SLC24A1 (solute carrier family 24 member 1; plus strand). Cytogenetic location: 15q22.31.
Variant type: single nucleotide variant.
Coding change: c.1A>G on transcript NM_004727.3 (MANE Select); coding-DNA position 1, A replaced by G.
Protein change: p.Met1Val; changes the start codon (methionine 1).
Molecular consequence: missense variant, initiator codon variant.
Genome position (GRCh38, 1-based): chr15:65,624,081, A>G. VCF-style: chr15-65624081-A-G. GRCh37 (hg19) VCF-style: chr15-65916419-A-G.
Other names: c.1A>G, p.Met1Val (NM_001301031.1, NM_001301032.1, NM_001301033.2); short protein forms M1V.
Identifiers: ClinVar variation 972065 (VCV000972065.10), dbSNP rs1329612049, ClinGen allele CA392912194.

ClinVar aggregate classification (germline): Uncertain significance (1 of 4 stars; one submission).

Submission:

Labcorp Genetics (formerly Invitae), Labcorp
Classification: Uncertain significance. Last evaluated: 2019-09-30. Review status: criteria provided, single submitter. Criteria: Invitae Variant Classification Sherloc (09022015). Collection method: clinical testing. Allele origin: germline.
Comment: In summary, the available evidence is currently insufficient to determine the role of this variant in disease. Therefore, it has been classified as a Variant of Uncertain Significance. This variant has not been reported in the literature in individuals with SLC24A1-related conditions. This variant is not present in population databases (ExAC no frequency). This sequence change affects the initiator methionine of the SLC24A1 mRNA. The next in-frame methionine is located at codon 7.